The following is an entry in ClinVar:

NM_003119.4(SPG7):c.2248C>T (p.Pro750Ser)

Gene: SPG7 (SPG7 matrix AAA peptidase subunit, paraplegin; plus strand). Cytogenetic location: 16q24.3.
Variant type: single nucleotide variant.
Coding change: c.2248C>T on transcript NM_003119.4 (MANE Select); coding-DNA position 2248, C replaced by T.
Protein change: p.Pro750Ser; replaces proline 750 with serine.
Molecular consequence: missense variant. On other transcripts: 3 prime UTR variant (1).
Genome position (GRCh38, 1-based): chr16:89,556,953, C>T. VCF-style: chr16-89556953-C-T. GRCh37 (hg19) VCF-style: chr16-89623361-C-T.
Other names: c.*26C>T (NM_001363850.1); short protein forms P750S.
Identifiers: ClinVar variation 3015659 (VCV003015659.3), dbSNP rs2543859464, ClinGen allele CA397417689.

ClinVar aggregate classification (germline): Uncertain significance (1 of 4 stars; one submission).

Conditions:
Hereditary spastic paraplegia 7 (SPG7). Also called: SPG7-related neurologic disorder; Autosomal recessive spastic paraplegia type 7; Spastic paraplegia 7; Hereditary spastic paraplegia Paraplegin type; SPASTIC PARAPLEGIA 7, AUTOSOMAL RECESSIVE, WITH OR WITHOUT CEREBELLAR ATAXIA. Identifiers: Orphanet 99013, MedGen C1846564, MONDO:0011803, OMIM 607259.

Submission:

Labcorp Genetics (formerly Invitae), Labcorp
Classification: Uncertain significance for Hereditary spastic paraplegia 7. Last evaluated: 2024-03-27. Review status: criteria provided, single submitter. Criteria: Invitae Variant Classification Sherloc (09022015). Collection method: clinical testing. Allele origin: germline.
Comment: This sequence change replaces proline, which is neutral and non-polar, with serine, which is neutral and polar, at codon 750 of the SPG7 protein (p.Pro750Ser). This variant is not present in population databases (gnomAD no frequency). This variant has not been reported in the literature in individuals affected with SPG7-related conditions. Advanced modeling of protein sequence and biophysical properties (such as structural, functional, and spatial information, amino acid conservation, physicochemical variation, residue mobility, and thermodynamic stability) performed at Invitae indicates that this missense variant is not expected to disrupt SPG7 protein function with a negative predictive value of 80%. In summary, the available evidence is currently insufficient to determine the role of this variant in disease. Therefore, it has been classified as a Variant of Uncertain Significance.